The following is an entry in ClinVar:

ClinVar aggregate classification (germline): Uncertain significance (1 of 4 stars; one submission).

Conditions:
Shprintzen-Goldberg syndrome (SGS). Also called: Marfanoid disorder with craniosynostosis type 1; Marfanoid craniosynostosis syndrome; Shprintzen-Goldberg marfanoid syndrome; SHPRINTZEN-GOLDBERG CRANIOSYNOSTOSIS SYNDROME; CRANIOSYNOSTOSIS WITH ARACHNODACTYLY AND ABDOMINAL HERNIAS. Identifiers: Orphanet 2462, MedGen C1321551, MONDO:0008426, OMIM 182212.

Allele frequency attached by ClinVar (database versions not stated): gnomAD exomes below 0.00001.
gnomAD v4.1: 1 of 1,599,080 alleles (0.000063%); highest among the groups gnomAD compares: Non-Finnish European, 0.000085%; no homozygotes.

Submission:

Labcorp Genetics (formerly Invitae), Labcorp
Classification: Uncertain significance for Shprintzen-Goldberg syndrome. Last evaluated: 2019-11-27. Review status: criteria provided, single submitter. Criteria: Invitae Variant Classification Sherloc (09022015). Collection method: clinical testing. Allele origin: germline.
Comment: This variant has not been reported in the literature in individuals with SKI-related conditions. Algorithms developed to predict the effect of missense changes on protein structure and function are either unavailable or do not agree on the potential impact of this missense change (SIFT: "Deleterious"; PolyPhen-2: "Probably Damaging"; Align-GVGD: "Class C0"). In summary, the available evidence is currently insufficient to determine the role of this variant in disease. Therefore, it has been classified as a Variant of Uncertain Significance. This variant is not present in population databases (ExAC no frequency). This sequence change replaces arginine with tryptophan at codon 603 of the SKI protein (p.Arg603Trp). The arginine residue is moderately conserved and there is a moderate physicochemical difference between arginine and tryptophan.

NM_003036.4(SKI):c.1807C>T (p.Arg603Trp)

Gene: SKI (SKI proto-oncogene; plus strand). Cytogenetic location: 1p36.32.
Variant type: single nucleotide variant.
Coding change: c.1807C>T on transcript NM_003036.4 (MANE Select); coding-DNA position 1807, C replaced by T.
Protein change: p.Arg603Trp; replaces arginine 603 with tryptophan.
Molecular consequence: missense variant.
Genome position (GRCh38, 1-based): chr1:2,306,059, C>T. VCF-style: chr1-2306059-C-T. GRCh37 (hg19) VCF-style: chr1-2237498-C-T.
Other names: short protein forms R603W.
Identifiers: ClinVar variation 851640 (VCV000851640.9), dbSNP rs1640565489, ClinGen allele CA337958598.